The following is an entry in ClinVar:

NM_000257.4(MYH7):c.3184A>T (p.Thr1062Ser)

Gene: MYH7 (myosin heavy chain 7; minus strand). Cytogenetic location: 14q11.2.
Variant type: single nucleotide variant.
Coding change: c.3184A>T on transcript NM_000257.4 (MANE Select); coding-DNA position 3184, A replaced by T.
Protein change: p.Thr1062Ser; replaces threonine 1062 with serine.
Molecular consequence: missense variant.
Genome position (GRCh38, 1-based): chr14:23,422,241, T>A on the plus strand (A>T on the coding strand, the complement: MYH7 is on the minus strand). VCF-style: chr14-23422241-T-A. GRCh37 (hg19) VCF-style: chr14-23891450-T-A.
Other names: short protein forms T1062S.
Identifiers: ClinVar variation 454364 (VCV000454364.10), dbSNP rs1555337299, ClinGen allele CA389045277.
Genomic context (GRCh38, chr14:23,422,241, plus strand): 5'-TTTTCAGCCGCTCATCCAGCTGCTGCTTGTCATTCTCCAGGTCCATGATGCTCTCCTGGG[T>A]CAGCTTCAGGTCGCCCTCCAGCTTCCGCTTCGCTCGCTCCAGGTCCATGCGCACCTTCTT-3'
Protein context (NP_000248.2, residues 1052-1072): KRKLEGDLKL[Thr1062Ser]QESIMDLEND

ClinVar aggregate classification (germline): Uncertain significance. Review status: criteria provided, multiple submitters, no conflicts (2 of 4 stars). 2 submissions from 2 submitters: Uncertain significance (2). Last evaluated 2021-08-24.

Conditions:
Hypertrophic cardiomyopathy 1 (CMH1). Also called: MYH7-Related Familial Hypertrophic Cardiomyopathy; Familial hypertrophic cardiomyopathy 1. Identifiers: MedGen C3495498, MONDO:0008647, OMIM 192600.
Myopathy, myosin storage, autosomal recessive (CMYO7B). Also called: CONGENITAL MYOPATHY 7B, MYOSIN STORAGE, AUTOSOMAL RECESSIVE. Identifiers: Orphanet 636970, MedGen C1850709, MONDO:0009708, OMIM 255160.
Congenital myopathy with fiber type disproportion. Also called: Congenital fiber-type disproportion; Congenital fiber-type disproportion myopathy. Identifiers: Orphanet 2020, MedGen C0546264, MONDO:0009711. Inheritance: all.
Myosin storage myopathy (CMYO7A). Also called: MYOPATHY WITH LYSIS OF TYPE I MYOFIBRILS; MYOPATHY, HYALINE BODY, AUTOSOMAL DOMINANT; MYH7-related late-onset scapuloperoneal muscular dystrophy; Congenital myopathy 7A, myosin storage, autosomal dominant; SCAPULOPERONEAL MUSCULAR DYSTROPHY; SCAPULOPERONEAL SYNDROME, MYOPATHIC TYPE. Identifiers: Orphanet 437572, Orphanet 636965, MedGen C1842160, MONDO:0008409, OMIM 608358.
Dilated cardiomyopathy 1S (CMD1S). Identifiers: Orphanet 154, Orphanet 54260, MedGen C1834481, MONDO:0013262, OMIM 613426.
MYH7-related skeletal myopathy. Also called: Laing distal myopathy; Laing early-onset distal myopathy; Myopathy, distal, 1; MYOPATHY, DISTAL, EARLY-ONSET, AUTOSOMAL DOMINANT; MYOPATHY, LATE DISTAL HEREDITARY. Identifiers: Orphanet 59135, MedGen C4552004, MONDO:0008050, OMIM 160500.
Hypertrophic cardiomyopathy. Also called: HYPERTROPHIC MYOCARDIOPATHY. Identifiers: Orphanet 217569, MedGen C0007194, MeSH D002312, MONDO:0005045, HP:0001639.

Submissions (2):

Fulgent Genetics
Classification: Uncertain significance for MYH7-related skeletal myopathy; Myosin storage myopathy; Hypertrophic cardiomyopathy 1; Myopathy, myosin storage, autosomal recessive; Congenital myopathy 4A, autosomal dominant; Dilated cardiomyopathy 1S. Last evaluated: 2021-08-24. Review status: criteria provided, single submitter. Criteria: ACMG Guidelines, 2015. Collection method: clinical testing. Allele origin: unknown.

Labcorp Genetics (formerly Invitae), Labcorp
Classification: Uncertain significance for Hypertrophic cardiomyopathy. Last evaluated: 2017-05-23. Review status: criteria provided, single submitter. Criteria: Invitae Variant Classification Sherloc (09022015). Collection method: clinical testing. Allele origin: germline.
Comment: In summary, this variant has uncertain impact on MYH7 function. The available evidence is currently insufficient to determine its role in disease. Therefore, it has been classified as a Variant of Uncertain Significance. An algorithm developed specifically for the MYH7 gene (PMID: 21310275), suggest that this missense change is likely to be tolerated. However, this prediction has not been confirmed by published functional studies and their clinical significance is uncertain. This variant has not been reported in the literature in individuals with a MYH7-related disease. This variant is not present in population databases (ExAC no frequency). This sequence change replaces threonine with serine at codon 1062 of the MYH7 protein (p.Thr1062Ser). The threonine residue is highly conserved and there is a small physicochemical difference between threonine and serine.

Literature cited by the submitters: PubMed 21310275 (cited by Labcorp Genetics (formerly Invitae), Labcorp).